The following is an entry in ClinVar:

NM_004947.5(DOCK3):c.5305_5306del (p.Leu1769fs)

Gene: DOCK3 (dedicator of cytokinesis 3; plus strand). Cytogenetic location: 3p21.2.
Variant type: Microsatellite.
Coding change: c.5305_5306del on transcript NM_004947.5 (MANE Select); coding-DNA positions 5305 to 5306, 2 bases deleted (CT; older notation c.5305_5306delCT).
Protein change: p.Leu1769fs; shifts the reading frame from leucine 1769.
Molecular consequence: frameshift variant.
Genome position (GRCh38, 1-based): chr3:51,374,480-51,374,481, CT deleted; deleting any 2 consecutive bases within chr3:51,374,476-51,374,481 gives the same sequence; the c. name uses the placement nearest the transcript's 3' end. VCF-style (leftmost placement, unchanged base first): chr3-51374475-CCT-C. GRCh37 (hg19) VCF-style: chr3-51411906-CCT-C.
Other names: short protein forms L1769fs.
Identifiers: ClinVar variation 4529695 (VCV004529695.1).

ClinVar aggregate classification (germline): Uncertain significance (1 of 4 stars; one submission).

Submission:

GeneDx
Classification: Uncertain significance. Last evaluated: 2025-02-19. Review status: criteria provided, single submitter. Criteria: GeneDx Variant Classification Process June 2021. Collection method: clinical testing. Allele origin: germline. Affected: yes.
Comment: Not observed at significant frequency in large population cohorts (gnomAD); Frameshift variant predicted to result in protein truncation or nonsense mediated decay in a gene or region of a gene for which loss of function is not a well-established mechanism of disease; Has not been previously published as pathogenic or benign to our knowledge; Variants in candidate genes are classified as variants of uncertain significance in accordance with ACMG guidelines (PMID: 25741868)